The following is an entry in ClinVar:

ClinVar aggregate classification (germline): Uncertain significance (1 of 4 stars; one submission).

Conditions:
GLUT1 deficiency syndrome 1, autosomal recessive. Identifiers: MedGen C3149117.

Submission:

Labcorp Genetics (formerly Invitae), Labcorp
Classification: Uncertain significance for GLUT1 deficiency syndrome 1, autosomal recessive. Last evaluated: 2021-10-05. Review status: criteria provided, single submitter. Criteria: Invitae Variant Classification Sherloc (09022015). Collection method: clinical testing. Allele origin: germline.
Comment: This variant is not present in population databases (ExAC no frequency). This variant has not been reported in the literature in individuals affected with SLC2A1-related conditions. Variants that disrupt the consensus splice site are a relatively common cause of aberrant splicing (PMID: 17576681, 9536098). Algorithms developed to predict the effect of sequence changes on RNA splicing suggest that this variant may disrupt the consensus splice site. In summary, the available evidence is currently insufficient to determine the role of this variant in disease. Therefore, it has been classified as a Variant of Uncertain Significance. This sequence change falls in intron 8 of the SLC2A1 gene. It does not directly change the encoded amino acid sequence of the SLC2A1 protein. It affects a nucleotide within the consensus splice site of the intron.

Literature cited by the submitters: PubMed 17576681; PubMed 9536098.

NM_006516.4(SLC2A1):c.1047_1074+4dup

Gene: SLC2A1 (solute carrier family 2 member 1; minus strand). Cytogenetic location: 1p34.2.
Variant type: Duplication.
Coding change: c.1047_1074+4dup on transcript NM_006516.4 (MANE Select); coding-DNA position 1047 through 4 bases into the intron after coding-DNA position 1074, 32 bases duplicated.
Molecular consequence: splice donor variant.
Genome position (GRCh38, 1-based): chr1:42,928,928-42,928,959, 32 bases duplicated. GRCh37 (hg19): chr1:43,394,599-43,394,630.
Identifiers: ClinVar variation 1509125 (VCV001509125.6), dbSNP rs2124447873, ClinGen allele CA2573132295.